The following is an entry in ClinVar:

ClinVar aggregate classification (germline): Uncertain significance (1 of 4 stars; one submission).

Submission:

CeGaT Center for Human Genetics Tuebingen
Classification: Uncertain significance. Last evaluated: 2025-12-01. Review status: criteria provided, single submitter. Criteria: CeGaT Center For Human Genetics Tuebingen Variant Classification Criteria Version 2. Collection method: clinical testing. Allele origin: germline. Affected: yes. Observed: 1 variant allele.
Comment: ITPR1: PM2

NM_001378452.1(ITPR1):c.5246T>G (p.Val1749Gly)

Gene: ITPR1 (inositol 1,4,5-trisphosphate receptor type 1; plus strand). Cytogenetic location: 3p26.1.
Variant type: single nucleotide variant.
Coding change: c.5246T>G on transcript NM_001378452.1 (MANE Select); coding-DNA position 5246, T replaced by G.
Protein change: p.Val1749Gly; replaces valine 1749 with glycine.
Molecular consequence: missense variant.
Genome position (GRCh38, 1-based): chr3:4,733,113, T>G. VCF-style: chr3-4733113-T-G. GRCh37 (hg19) VCF-style: chr3-4774797-T-G.
Other names: c.5102T>G, p.Val1701Gly (NM_001099952.4); c.5201T>G, p.Val1734Gly (NM_001168272.2); c.5057T>G, p.Val1686Gly (NM_002222.7); short protein forms V1686G, V1701G, V1734G, V1749G.
Identifiers: ClinVar variation 4682041 (VCV004682041.5).